The following is an entry in ClinVar:

NM_138295.5(PKD1L1):c.6066G>T (p.Gly2022=)

Gene: PKD1L1 (polycystin 1 like 1, transient receptor potential channel interacting; minus strand). Cytogenetic location: 7p12.3.
Variant type: single nucleotide variant.
Coding change: c.6066G>T on transcript NM_138295.5 (MANE Select); coding-DNA position 6066, G replaced by T.
Protein change: p.Gly2022=; no amino-acid change (glycine 2022 retained).
Molecular consequence: synonymous variant.
Genome position (GRCh38, 1-based): chr7:47,835,028, C>A on the plus strand (G>T on the coding strand, the complement: PKD1L1 is on the minus strand). VCF-style: chr7-47835028-C-A. GRCh37 (hg19) VCF-style: chr7-47874626-C-A.
Identifiers: ClinVar variation 3032871 (VCV003032871.2), dbSNP rs777639245, ClinGen allele CA4252600.

ClinVar aggregate classification (germline): Likely benign (0 of 4 stars; one submission).

Conditions:
PKD1L1-related disorder. Also called: PKD1L1-related condition.

Allele frequency attached by ClinVar (database versions not stated): TOPMed 0.00003; gnomAD 0.00004.
gnomAD v4.1: 117 of 1,613,758 alleles (0.0073%); highest among the groups gnomAD compares: South Asian, 0.12%; 1 homozygote.

Submission:

PreventionGenetics, part of Exact Sciences
Classification: Likely benign for PKD1L1-related condition. Last evaluated: 2021-04-27. Review status: no assertion criteria provided. Collection method: clinical testing. Allele origin: germline.
Comment: This variant is classified as likely benign based on ACMG/AMP sequence variant interpretation guidelines (Richards et al. 2015 PMID: 25741868, with internal and published modifications).